The following is an entry in ClinVar:

ClinVar aggregate classification (germline): Uncertain significance. Review status: criteria provided, multiple submitters, no conflicts (2 of 4 stars). 4 submissions from 4 submitters: Uncertain significance (4). Last evaluated 2024-05-28.

Conditions:
Inborn genetic diseases. Identifiers: MedGen C0950123, MeSH D030342.
Collagen 6-related myopathy. Identifiers: MedGen CN117976, MONDO:0100225.
Bethlem myopathy 1A. Also called: Bethlem myopathy 1; Bethlem Muscular Dystrophy; MYOPATHY, BENIGN CONGENITAL, WITH CONTRACTURES. Identifiers: Orphanet 610, MedGen CN029274, MONDO:0024530, OMIM 158810.

Allele frequency attached by ClinVar (database versions not stated): ExAC 0.00001; gnomAD 0.00001; gnomAD exomes 0.00001; TOPMed 0.00002.

Submissions (4):

Labcorp Genetics (formerly Invitae), Labcorp
Classification: Uncertain significance for Bethlem myopathy 1A. Last evaluated: 2024-05-28. Review status: criteria provided, single submitter. Criteria: Invitae Variant Classification Sherloc (09022015). Collection method: clinical testing. Allele origin: germline.
Comment: This sequence change replaces threonine, which is neutral and polar, with methionine, which is neutral and non-polar, at codon 2293 of the COL6A3 protein (p.Thr2293Met). This variant is present in population databases (rs759657526, gnomAD 0.006%). This variant has not been reported in the literature in individuals affected with COL6A3-related conditions. ClinVar contains an entry for this variant (Variation ID: 335111). Algorithms developed to predict the effect of missense changes on protein structure and function output the following: SIFT: "Not Available"; PolyPhen-2: "Not Available"; Align-GVGD: "Not Available". The methionine amino acid residue is found in multiple mammalian species, which suggests that this missense change does not adversely affect protein function. In summary, the available evidence is currently insufficient to determine the role of this variant in disease. Therefore, it has been classified as a Variant of Uncertain Significance.

Ambry Genetics
Classification: Uncertain significance for Inborn genetic diseases. Last evaluated: 2024-02-05. Review status: criteria provided, single submitter. Criteria: Ambry Variant Classification Scheme 2023. Collection method: clinical testing. Allele origin: germline.

CeGaT Center for Human Genetics Tuebingen
Classification: Uncertain significance. Last evaluated: 2023-03-01. Review status: criteria provided, single submitter. Criteria: CeGaT Center For Human Genetics Tuebingen Variant Classification Criteria Version 2. Collection method: clinical testing. Allele origin: germline. Affected: yes. Observed: 1 variant allele.

Illumina Laboratory Services, Illumina
Classification: Uncertain significance for Collagen VI-related myopathy. Last evaluated: 2018-01-13. Review status: criteria provided, single submitter. Criteria: ICSL Variant Classification Criteria 13 December 2019. Collection method: clinical testing. Allele origin: germline.

NM_004369.4(COL6A3):c.6878C>T (p.Thr2293Met)

Gene: COL6A3 (collagen type VI alpha 3 chain; minus strand). Cytogenetic location: 2q37.3.
Variant type: single nucleotide variant.
Coding change: c.6878C>T on transcript NM_004369.4 (MANE Select); coding-DNA position 6878, C replaced by T.
Protein change: p.Thr2293Met; replaces threonine 2293 with methionine.
Molecular consequence: missense variant.
Genome position (GRCh38, 1-based): chr2:237,350,148, G>A on the plus strand (C>T on the coding strand, the complement: COL6A3 is on the minus strand). VCF-style: chr2-237350148-G-A. GRCh37 (hg19) VCF-style: chr2-238258791-G-A.
Other names: c.5057C>T, p.Thr1686Met (NM_057166.5); c.6260C>T, p.Thr2087Met (NM_057167.4); short protein forms T2293M, T1686M, T2087M.
Identifiers: ClinVar variation 335111 (VCV000335111.33), dbSNP rs759657526, ClinGen allele CA2188056.